The following is an entry in ClinVar:

NM_000451.4(SHOX):c.502C>G (p.Arg168Gly)

Gene: SHOX (SHOX homeobox; plus strand). Cytogenetic location: Xp22.33.
Variant type: single nucleotide variant.
Coding change: c.502C>G on transcript NM_000451.4 (MANE Select); coding-DNA position 502, C replaced by G.
Protein change: p.Arg168Gly; replaces arginine 168 with glycine.
Molecular consequence: missense variant.
Genome position (GRCh38, 1-based): chrX:640,836, C>G. VCF-style: chrX-640836-C-G. GRCh37 (hg19) VCF-style: chrX-601571-C-G.
Other names: c.502C>G, p.Arg168Gly (NM_006883.2); short protein forms R168G.
Identifiers: ClinVar variation 3900373 (VCV003900373.1).

ClinVar aggregate classification (germline): Uncertain significance (1 of 4 stars; one submission).

Submission:

GeneDx
Classification: Uncertain significance. Last evaluated: 2024-11-20. Review status: criteria provided, single submitter. Criteria: GeneDx Variant Classification Process June 2021. Collection method: clinical testing. Allele origin: germline. Affected: yes.
Comment: Not observed at significant frequency in large population cohorts (gnomAD); In silico analysis supports that this missense variant has a deleterious effect on protein structure/function; Has not been previously published as pathogenic or benign to our knowledge; This variant is associated with the following publications: (PMID: 25659810)